The following is an entry in ClinVar:

ClinVar aggregate classification (germline): Uncertain significance. Review status: criteria provided, multiple submitters, no conflicts (2 of 4 stars). 2 submissions from 2 submitters: Uncertain significance (2). Last evaluated 2026-01-20.

Allele frequency attached by ClinVar (database versions not stated): ExAC 0.00010; TOPMed 0.00010; gnomAD 0.00011; ESP Exome Variant Server 0.00015; 1000 Genomes Project 30x 0.00016; 1000 Genomes Project 0.00020.
gnomAD v4.1: 82 of 1,603,276 alleles (0.0051%); highest among the groups gnomAD compares: African/African-American, 0.019%; 1 homozygote.

Submissions (2):

Labcorp Genetics (formerly Invitae), Labcorp
Classification: Uncertain significance. Last evaluated: 2026-01-20. Review status: criteria provided, single submitter. Criteria: Invitae Variant Classification Sherloc (09022015). Collection method: clinical testing. Allele origin: germline.
Comment: This sequence change replaces arginine, which is basic and polar, with tryptophan, which is neutral and slightly polar, at codon 298 of the LZTS1 protein (p.Arg298Trp). This variant is present in population databases (rs371391769, gnomAD 0.02%). This variant has not been reported in the literature in individuals affected with LZTS1-related conditions. ClinVar contains an entry for this variant (Variation ID: 2069881). Invitae Evidence Modeling of protein sequence and biophysical properties (such as structural, functional, and spatial information, amino acid conservation, physicochemical variation, residue mobility, and thermodynamic stability) indicates that this missense variant is not expected to disrupt LZTS1 protein function with a negative predictive value of 80%. In summary, the available evidence is currently insufficient to determine the role of this variant in disease. Therefore, it has been classified as a Variant of Uncertain Significance.

Ambry Genetics
Classification: Uncertain significance. Last evaluated: 2024-04-08. Review status: criteria provided, single submitter. Criteria: Ambry Variant Classification Scheme 2023. Collection method: clinical testing. Allele origin: germline.

NM_021020.5(LZTS1):c.892C>T (p.Arg298Trp)

Gene: LZTS1 (leucine zipper tumor suppressor 1; minus strand). Cytogenetic location: 8p21.3.
Variant type: single nucleotide variant.
Coding change: c.892C>T on transcript NM_021020.5 (MANE Select); coding-DNA position 892, C replaced by T.
Protein change: p.Arg298Trp; replaces arginine 298 with tryptophan.
Molecular consequence: missense variant.
Genome position (GRCh38, 1-based): chr8:20,253,039, G>A on the plus strand (C>T on the coding strand, the complement: LZTS1 is on the minus strand). VCF-style: chr8-20253039-G-A. GRCh37 (hg19) VCF-style: chr8-20110550-G-A.
Other names: c.892C>T, p.Arg298Trp (NM_001362884.2); c.892C>T (NM_021020.2); short protein forms R298W.
Identifiers: ClinVar variation 2069881 (VCV002069881.5), dbSNP rs371391769, ClinGen allele CA4657414.